The following is an entry in ClinVar:

NM_003640.5(ELP1):c.2950C>T (p.Gln984Ter)

Gene: ELP1 (elongator acetyltransferase complex subunit 1; minus strand). Cytogenetic location: 9q31.3.
Variant type: single nucleotide variant.
Coding change: c.2950C>T on transcript NM_003640.5 (MANE Select); coding-DNA position 2950, C replaced by T.
Protein change: p.Gln984Ter; replaces glutamine 984 with a stop codon.
Molecular consequence: nonsense.
Genome position (GRCh38, 1-based): chr9:108,892,994, G>A on the plus strand (C>T on the coding strand, the complement: ELP1 is on the minus strand). VCF-style: chr9-108892994-G-A. GRCh37 (hg19) VCF-style: chr9-111655274-G-A.
Other names: c.2950C>T (NM_003640.4); c.2608C>T, p.Gln870Ter (NM_001318360.2); c.1903C>T, p.Gln635Ter (NM_001330749.2); short protein forms Q635*, Q870*, Q984*.
Identifiers: ClinVar variation 1800117 (VCV001800117.5), dbSNP rs568425709, ClinGen allele CA197530824.

ClinVar aggregate classification (germline): Pathogenic/Likely pathogenic. Review status: criteria provided, multiple submitters, no conflicts (2 of 4 stars). 4 submissions from 4 submitters: Pathogenic (2); Likely pathogenic (2). Last evaluated 2026-02-03.

Conditions:
ELP1-Associated Medulloblastoma. Identifiers: MedGen C5670652.
Familial dysautonomia. Also called: FD; HSAN III. Identifiers: Orphanet 1764, MedGen C0013364, MONDO:0009131, OMIM 223900. Disease mechanism: loss of function.

Allele frequency attached by ClinVar (database versions not stated): gnomAD exomes below 0.00001.
gnomAD v4.1: 1 of 1,611,910 alleles (0.000062%); highest among the groups gnomAD compares: Non-Finnish European, 0.000085%; no homozygotes.

Submissions (4):

Labcorp Genetics (formerly Invitae), Labcorp
Classification: Pathogenic. Last evaluated: 2026-02-03. Review status: criteria provided, single submitter. Criteria: Invitae Variant Classification Sherloc (09022015). Collection method: clinical testing. Allele origin: germline.
Comment: This sequence change creates a premature translational stop signal (p.Gln984*) in the ELP1 gene. It is expected to result in an absent or disrupted protein product. Loss-of-function variants in ELP1 are known to be pathogenic (PMID: 18303054, 24173031). This variant is not present in population databases (gnomAD no frequency). This variant has not been reported in the literature in individuals affected with ELP1-related conditions. ClinVar contains an entry for this variant (Variation ID: 1800117). For these reasons, this variant has been classified as Pathogenic.

Institute for Genomic Medicine (IGM) Clinical Laboratory, Nationwide Children's Hospital
Classification: Likely pathogenic for ELP1-Associated Medulloblastoma. Last evaluated: 2025-09-08. Review status: criteria provided, single submitter. Criteria: ACMG Guidelines, 2015. Collection method: clinical testing. Allele origin: germline.
Comment: This variant is predicted to result in loss of function through nonsense-mediated decay of the encoded transcript or premature truncation of the encoded protein in a gene in which loss of function is a known mechanism of disease (ACMG/AMP: PVS1; PMIDs:32296180, 34687117). This variant is absent from or present at an exceedingly low frequency in gnomAD, a large-scale control population database (ACMG/AMP: PM2).

Natera, Inc.
Classification: Likely pathogenic for Familial dysautonomia. Last evaluated: 2025-07-03. Review status: criteria provided, single submitter. Criteria: Natera Variant Classification Schema (03/2026). Collection method: clinical testing. Allele origin: germline.
Comment: The c.2950C>T variant in ELP1 is a nonsense variant predicted to introduce a stop codon at amino acid 984. This variant is expected to result in nonsense mediated decay, truncation, or a dysfunctional protein product. This variant is rare in the general population with a frequency below the threshold expected for the associated phenotype(s). Given the available evidence, this variant is classified as Likely Pathogenic.

Ambry Genetics
Classification: Pathogenic. Last evaluated: 2022-07-06. Review status: criteria provided, single submitter. Criteria: Ambry Variant Classification Scheme 2023. Collection method: clinical testing. Allele origin: germline.
Comment: The p.Q984* pathogenic mutation (also known as c.2950C>T), located in coding exon 26 of the IKBKAP gene, results from a C to T substitution at nucleotide position 2950. This changes the amino acid from a glutamine to a stop codon within coding exon 26. This variant is considered to be rare based on population cohorts in the Genome Aggregation Database (gnomAD). This alteration is expected to result in loss of function by premature protein truncation or nonsense-mediated mRNA decay. As such, this alteration is interpreted as a disease-causing mutation.

Literature cited by the submitters: PubMed 18303054 (cited by Labcorp Genetics (formerly Invitae), Labcorp); PubMed 24173031 (cited by Labcorp Genetics (formerly Invitae), Labcorp); PubMed 32296180 (cited by Institute for Genomic Medicine (IGM) Clinical Laboratory, Nationwide Children's Hospital); PubMed 34687117 (cited by Institute for Genomic Medicine (IGM) Clinical Laboratory, Nationwide Children's Hospital).